The following is an entry in ClinVar:

NM_001013703.4(EIF2AK4):c.859+232T>C

Gene: EIF2AK4 (eukaryotic translation initiation factor 2 alpha kinase 4; plus strand). Cytogenetic location: 15q15.1.
Variant type: single nucleotide variant.
Coding change: c.859+232T>C on transcript NM_001013703.4 (MANE Select); 232 bases into the intron after coding-DNA position 859, T replaced by C.
Molecular consequence: intron variant.
Genome position (GRCh38, 1-based): chr15:39,962,131, T>C. VCF-style: chr15-39962131-T-C. GRCh37 (hg19) VCF-style: chr15-40254332-T-C.
Identifiers: ClinVar variation 678114 (VCV000678114.1), dbSNP rs509200, ClinGen allele CA268727269.
Genomic context (GRCh38, chr15:39,962,131, plus strand): 5'-GGTTTCCTCTAATGTAAGATGGAAATAAAAACCTGTGTTTTTGTCTGGGCACCGTGGCTA[T>C]GCCTATAATCCCAATACTTTGGGGGGCCGAGGTGGAAGGATTGCTTGAGTCCAGGAGTTC-3'

ClinVar aggregate classification (germline): Benign (1 of 4 stars; one submission).

Allele frequency attached by ClinVar (database versions not stated): 1000 Genomes Project 0.84445; 1000 Genomes Project 30x 0.84557; TOPMed 0.90172; gnomAD 0.91289 and 0.91698.
gnomAD v4.1: 138,948 of 152,184 alleles (91%); highest among the groups gnomAD compares: Middle Eastern, 97%; 63,855 homozygotes.

Submission:

GeneDx
Classification: Benign. Last evaluated: 2018-06-14. Review status: criteria provided, single submitter. Criteria: GeneDx Variant Classification (06012015). Collection method: clinical testing. Allele origin: germline. Affected: yes.
Comment: This variant is considered likely benign or benign based on one or more of the following criteria: it is a conservative change, it occurs at a poorly conserved position in the protein, it is predicted to be benign by multiple in silico algorithms, and/or has population frequency not consistent with disease.